The following is an entry in ClinVar:

ClinVar aggregate classification (germline): Uncertain significance (1 of 4 stars; one submission).

Allele frequency attached by ClinVar (database versions not stated): gnomAD exomes below 0.00001.
gnomAD v4.1: 3 of 1,613,182 alleles (0.00019%); highest among the groups gnomAD compares: Non-Finnish European, 0.00025%; no homozygotes.

Submission:

Labcorp Genetics (formerly Invitae), Labcorp
Classification: Uncertain significance. Last evaluated: 2021-08-05. Review status: criteria provided, single submitter. Criteria: Invitae Variant Classification Sherloc (09022015). Collection method: clinical testing. Allele origin: germline.
Comment: This sequence change replaces methionine with valine at codon 4429 of the PCLO protein (p.Met4429Val). The methionine residue is moderately conserved and there is a small physicochemical difference between methionine and valine. This variant is not present in population databases (ExAC no frequency). This variant has not been reported in the literature in individuals affected with PCLO-related conditions. Algorithms developed to predict the effect of missense changes on protein structure and function are either unavailable or do not agree on the potential impact of this missense change (SIFT: "Deleterious"; PolyPhen-2: "Not Available"; Align-GVGD: "Class C0"). In summary, the available evidence is currently insufficient to determine the role of this variant in disease. Therefore, it has been classified as a Variant of Uncertain Significance.

NM_033026.6(PCLO):c.13285A>G (p.Met4429Val)

Gene: PCLO (piccolo presynaptic cytomatrix protein; minus strand). Cytogenetic location: 7q21.11.
Variant type: single nucleotide variant.
Coding change: c.13285A>G on transcript NM_033026.6 (MANE Select); coding-DNA position 13285, A replaced by G.
Protein change: p.Met4429Val; replaces methionine 4429 with valine.
Molecular consequence: missense variant.
Genome position (GRCh38, 1-based): chr7:82,914,701, T>C on the plus strand (A>G on the coding strand, the complement: PCLO is on the minus strand). VCF-style: chr7-82914701-T-C. GRCh37 (hg19) VCF-style: chr7-82544017-T-C.
Other names: c.13285A>G, p.Met4429Val (NM_014510.3); short protein forms M4429V.
Identifiers: ClinVar variation 1464101 (VCV001464101.6), dbSNP rs2116259049, ClinGen allele CA367883491.